The following is an entry in ClinVar:

ClinVar aggregate classification (germline): Pathogenic. Review status: criteria provided, multiple submitters, no conflicts (2 of 4 stars). 2 submissions from 2 submitters: Pathogenic (2). Last evaluated 2025-08-29.

Conditions:
Familial cancer of breast. Also called: Hereditary breast cancer; hereditary breast carcinoma; BREAST CANCER, FAMILIAL. Identifiers: Orphanet 227535, MedGen C0346153, MONDO:0016419, OMIM 114480. Disease mechanism: loss of function.

Submissions (2):

Labcorp Genetics (formerly Invitae), Labcorp
Classification: Pathogenic for Familial cancer of breast. Last evaluated: 2025-08-29. Review status: criteria provided, single submitter. Criteria: Invitae Variant Classification Sherloc (09022015). Collection method: clinical testing. Allele origin: germline.
Comment: This sequence change creates a premature translational stop signal (p.Gly151Valfs*10) in the CHEK2 gene. It is expected to result in an absent or disrupted protein product. Loss-of-function variants in CHEK2 are known to be pathogenic (PMID: 21876083, 24713400). This variant is not present in population databases (gnomAD no frequency). This variant has not been reported in the literature in individuals affected with CHEK2-related conditions. ClinVar contains an entry for this variant (Variation ID: 839460). For these reasons, this variant has been classified as Pathogenic.

Myriad Genetics, Inc.
Classification: Pathogenic for Familial cancer of breast. Last evaluated: 2023-06-23. Review status: criteria provided, single submitter. Criteria: Myriad Autosomal Dominant, Autosomal Recessive and X-Linked Classification Criteria (2023). Collection method: clinical testing. Allele origin: unknown.
Comment: This variant is considered pathogenic. This variant creates a frameshift predicted to result in premature protein truncation.

Literature cited by the submitters: PubMed 21876083 (cited by Labcorp Genetics (formerly Invitae), Labcorp); PubMed 24713400 (cited by Labcorp Genetics (formerly Invitae), Labcorp).

NM_007194.4(CHEK2):c.452del (p.Gly151fs)

Gene: CHEK2 (checkpoint kinase 2; minus strand). Cytogenetic location: 22q12.1.
Variant type: Deletion.
Coding change: c.452del on transcript NM_007194.4 (MANE Select); coding-DNA position 452, one base deleted (G; older notation c.452delG).
Protein change: p.Gly151fs; shifts the reading frame from glycine 151.
Molecular consequence: frameshift variant. On other transcripts: 5 prime UTR variant (2), intron variant (1).
Genome position (GRCh38, 1-based): chr22:28,725,117, C deleted on the plus strand (G on the coding strand, the reverse complement: CHEK2 is on the minus strand); the first of 3 consecutive C bases (chr22:28,725,117-28,725,119); deleting any one gives the same sequence. VCF-style (leftmost placement, unchanged base first): chr22-28725116-AC-A. GRCh37 (hg19) VCF-style: chr22-29121104-AC-A.
Other names: c.581del, p.Gly194fs (NM_001005735.3, NM_001438294.1); c.-326del (NM_001257387.3); c.-212del (NM_001437942.1); c.545del, p.Gly182fs (NM_001438293.1, NM_001438295.1); c.452del, p.Gly151fs (NM_145862.3); c.444+126del (NM_001349956.3); short protein forms G151fs, G194fs, G182fs.
Identifiers: ClinVar variation 839460 (VCV000839460.10), dbSNP rs2053949167, ClinGen allele CA916083805.